The following is an entry in ClinVar:

ClinVar aggregate classification (germline): Likely benign (1 of 4 stars; one submission).

gnomAD v4.1: 2 of 1,379,172 alleles (0.00015%); highest among the groups gnomAD compares: Non-Finnish European, 0.000093%; no homozygotes.

Submission:

CeGaT Center for Human Genetics Tuebingen
Classification: Likely benign. Last evaluated: 2025-05-01. Review status: criteria provided, single submitter. Criteria: CeGaT Center For Human Genetics Tuebingen Variant Classification Criteria Version 2. Collection method: clinical testing. Allele origin: germline. Affected: yes. Observed: 1 variant allele.
Comment: SOX11: BP4, BP7

NM_003108.4(SOX11):c.543C>A (p.Gly181=)

Gene: SOX11 (SRY-box transcription factor 11; plus strand). Cytogenetic location: 2p25.2.
Variant type: single nucleotide variant.
Coding change: c.543C>A on transcript NM_003108.4 (MANE Select); coding-DNA position 543, C replaced by A.
Protein change: p.Gly181=; no amino-acid change (glycine 181 retained).
Molecular consequence: synonymous variant.
Genome position (GRCh38, 1-based): chr2:5,693,264, C>A. VCF-style: chr2-5693264-C-A. GRCh37 (hg19) VCF-style: chr2-5833396-C-A.
Identifiers: ClinVar variation 3905846 (VCV003905846.10).